The following is an entry in ClinVar:

ClinVar aggregate classification (germline): Benign. Review status: criteria provided, multiple submitters, no conflicts (2 of 4 stars). 4 submissions from 4 submitters: Benign (4). Last evaluated 2024-01-24.

Conditions:
Cerebroretinal microangiopathy with calcifications and cysts 1 (CRMCC1). Identifiers: Orphanet 313838, MedGen C4552029, MONDO:0024564, OMIM 612199.

Allele frequency attached by ClinVar (database versions not stated): ExAC 0.82448; 1000 Genomes Project 30x 0.79310; ESP Exome Variant Server 0.85529; 1000 Genomes Project 0.78554; TOPMed 0.82035.
gnomAD v4.1: 1,302,308 of 1,539,168 alleles (85%); highest among the groups gnomAD compares: Non-Finnish European, 86%; 552,320 homozygotes.

Submissions (4):

Unidad de Genómica Garrahan, Hospital de Pediatría Garrahan
Classification: Benign. Last evaluated: 2024-01-24. Review status: criteria provided, single submitter. Criteria: ACMG Guidelines, 2015. Collection method: clinical testing. Allele origin: germline. Affected: no. Observed: 93 variant alleles.
Comment: This variant is classified as Benign based on local population frequency. This variant was detected in 98% of patients studied by a panel of primary immunodeficiencies. Number of patients: 93. Only high quality variants are reported.

Genome-Nilou Lab
Classification: Benign for Cerebroretinal microangiopathy with calcifications and cysts 1. Last evaluated: 2021-07-30. Review status: criteria provided, single submitter. Criteria: ACMG Guidelines, 2015. Collection method: clinical testing. Allele origin: germline. Affected: no.

GeneDx
Classification: Benign. Last evaluated: 2018-11-11. Review status: criteria provided, single submitter. Criteria: GeneDx Variant Classification Process June 2021. Collection method: clinical testing. Allele origin: germline. Affected: yes.

Breakthrough Genomics
Classification: Benign. Review status: criteria provided, single submitter. Criteria: ACMG Guidelines, 2015. Collection method: not provided. Allele origin: germline. Inheritance: Autosomal recessive inheritance. Affected: yes.

NM_025099.6(CTC1):c.1818+36C>T

Gene: CTC1 (CST telomere replication complex component 1; minus strand). Cytogenetic location: 17p13.1.
Variant type: single nucleotide variant.
Coding change: c.1818+36C>T on transcript NM_025099.6 (MANE Select); 36 bases into the intron after coding-DNA position 1818, C replaced by T.
Molecular consequence: intron variant.
Genome position (GRCh38, 1-based): chr17:8,234,419, G>A on the plus strand (C>T on the coding strand, the complement: CTC1 is on the minus strand). VCF-style: chr17-8234419-G-A. GRCh37 (hg19) VCF-style: chr17-8137737-G-A.
Identifiers: ClinVar variation 1255413 (VCV001255413.6), dbSNP rs4792621, ClinGen allele CA8372255.
Genomic context (GRCh38, chr17:8,234,419, plus strand): 5'-CAAAATGACGAAGAAAGATAGTAACCGAGACTAGAGTCGTGGCAATAAGGATGACAAAAA[G>A]GGAAATCACCTGAGCCCTGCTAGGGTCCCCCTTACCTGGGCTGGGCAGAAGGCAGAGGGC-3'